The following is an entry in ClinVar:

ClinVar aggregate classification (germline): Pathogenic. Review status: criteria provided, multiple submitters, no conflicts (2 of 4 stars). 2 submissions from 2 submitters: Pathogenic (2). Last evaluated 2021-08-10.

Conditions:
Severe combined immunodeficiency, autosomal recessive, T cell-negative, B cell-negative, NK cell-negative, due to adenosine deaminase deficiency. Also called: ADA deficiency; Adenosine deaminase deficient severe combined immunodeficiency; Severe combined immunodeficiency due to ADA deficiency; ADA-SCID; Adenosine Deaminase Deficiency; SCID DUE TO ADA DEFICIENCY. Identifiers: Orphanet 277, MedGen C0392607, MONDO:0007064, OMIM 102700.

Submissions (2):

Genome-Nilou Lab
Classification: Pathogenic for Severe combined immunodeficiency, autosomal recessive, T cell-negative, B cell-negative, NK cell-negative, due to adenosine deaminase deficiency. Last evaluated: 2021-08-10. Review status: criteria provided, single submitter. Criteria: ACMG Guidelines, 2015. Collection method: clinical testing. Allele origin: germline. Affected: no.

Labcorp Genetics (formerly Invitae), Labcorp
Classification: Pathogenic for Severe combined immunodeficiency, autosomal recessive, T cell-negative, B cell-negative, NK cell-negative, due to adenosine deaminase deficiency. Last evaluated: 2019-11-16. Review status: criteria provided, single submitter. Criteria: Invitae Variant Classification Sherloc (09022015). Collection method: clinical testing. Allele origin: germline.
Comment: This sequence change creates a premature translational stop signal (p.Thr294Glnfs*7) in the ADA gene. It is expected to result in an absent or disrupted protein product. This variant is not present in population databases (ExAC no frequency). This variant has not been reported in the literature in individuals with ADA-related conditions. Loss-of-function variants in ADA are known to be pathogenic (PMID: 26255240, 26376800). For these reasons, this variant has been classified as Pathogenic.

Literature cited by the submitters: PubMed 26255240 (cited by Labcorp Genetics (formerly Invitae), Labcorp); PubMed 26376800 (cited by Labcorp Genetics (formerly Invitae), Labcorp).

NM_000022.4(ADA):c.879_898del (p.Thr294fs)

Gene: ADA (adenosine deaminase; minus strand). Cytogenetic location: 20q13.12.
Variant type: Deletion.
Coding change: c.879_898del on transcript NM_000022.4 (MANE Select); coding-DNA positions 879 to 898, 20 bases deleted (CACAGATGACCCGCTCATCT).
Protein change: p.Thr294fs; shifts the reading frame from threonine 294.
Molecular consequence: frameshift variant. On other transcripts: non-coding transcript variant (1).
Genome position (GRCh38, 1-based): chr20:44,621,095-44,621,114, AGATGAGCGGGTCATCTGTG deleted on the plus strand (CACAGATGACCCGCTCATCT on the coding strand, the reverse complement: ADA is on the minus strand). VCF-style (leftmost placement, unchanged base first): chr20-44621094-AAGATGAGCGGGTCATCTGTG-A. GRCh37 (hg19) VCF-style: chr20-43249735-AAGATGAGCGGGTCATCTGTG-A.
Other names: c.474_493del, p.Thr159fs (NM_001322050.2); c.807_826del, p.Thr270fs (NM_001322051.2); short protein forms T294fs, T159fs, T270fs.
Identifiers: ClinVar variation 968429 (VCV000968429.9), dbSNP rs2065327187, ClinGen allele CA1139666704.